The following is an entry in ClinVar:

NM_007294.4:c.(4096+1_4097-1)_(4185+1_4186-1)del

Gene: BRCA1 (BRCA1 DNA repair associated; minus strand).
Variant type: Deletion.
Other names: c.(4096+1_4097-1)_(4185+1_4186-1)del (NM_007294.4).
Identifiers: ClinVar variation 3236917 (VCV003236917.1).

ClinVar aggregate classification (germline): Pathogenic (1 of 4 stars; one submission).

Conditions:
Breast-ovarian cancer, familial, susceptibility to, 1 (BROVCA1). Also called: BRCA1 Hereditary Breast and Ovarian Cancer; OVARIAN CANCER, SUSCEPTIBILITY TO. Identifiers: Orphanet 145, MedGen C2676676, MONDO:0011450, OMIM 604370. Disease mechanism: loss of function.

Submission:

Department of Clinical Genetics, Copenhagen University Hospital, Rigshospitalet
Classification: Pathogenic for Breast-ovarian cancer, familial, susceptibility to, 1. Last evaluated: 2024-05-27. Review status: criteria provided, single submitter. Criteria: ACMG Guidelines, 2015. Collection method: clinical testing. Allele origin: germline. Affected: yes.
Comment: PVS1; PM2_Supporting; PP1